The following is an entry in ClinVar:

ClinVar aggregate classification (germline): Pathogenic/Likely pathogenic. Review status: criteria provided, multiple submitters, no conflicts (2 of 4 stars). 2 submissions from 2 submitters: Pathogenic (1); Likely pathogenic (1). Last evaluated 2025-05-21.

Conditions:
Autosomal recessive nonsyndromic hearing loss 18B. Also called: Deafness, autosomal recessive 18b. Identifiers: Orphanet 90636, MedGen C3554163, MONDO:0013985, OMIM 614945.

Submissions (2):

Variantyx, Inc.
Classification: Likely pathogenic for Autosomal recessive nonsyndromic hearing loss 18B. Last evaluated: 2025-05-21. Review status: criteria provided, single submitter. Criteria: Variantyx Assertion Criteria 2022. Collection method: clinical testing. Allele origin: germline. Inheritance: Autosomal recessive inheritance. Affected: no.
Comment: This is a frameshift variant in the OTOG gene (OMIM: 604487). Pathogenic variants in this gene have been associated with autosomal recessive deafness 18B. This variant introduces a premature termination codon in exon 36 out of 56 and is expected to result in loss of function, which is a known disease mechanism for OTOG in this disorder (PMID: 23122587) (PVS1). This variant is absent from control populations (PM2). Based on the current evidence, this variant is classified as likely pathogenic for autosomal recessive deafness 18B.

Labcorp Genetics (formerly Invitae), Labcorp
Classification: Pathogenic. Last evaluated: 2022-03-16. Review status: criteria provided, single submitter. Criteria: Invitae Variant Classification Sherloc (09022015). Collection method: clinical testing. Allele origin: germline.
Comment: For these reasons, this variant has been classified as Pathogenic. This variant has not been reported in the literature in individuals affected with OTOG-related conditions. This variant is not present in population databases (gnomAD no frequency). This sequence change creates a premature translational stop signal (p.Ala1515Profs*7) in the OTOG gene. It is expected to result in an absent or disrupted protein product. Loss-of-function variants in OTOG are known to be pathogenic (PMID: 23122587).

Literature cited by the submitters: PubMed 23122587 (cited by Variantyx, Inc. and Labcorp Genetics (formerly Invitae), Labcorp).

NM_001292063.2(OTOG):c.4507del (p.Ala1503fs)

Gene: OTOG (otogelin; plus strand). Cytogenetic location: 11p15.1.
Variant type: Deletion.
Coding change: c.4507del on transcript NM_001292063.2 (MANE Select); coding-DNA position 4507, one base deleted (G; older notation c.4507delG).
Protein change: p.Ala1503fs; shifts the reading frame from alanine 1503.
Molecular consequence: frameshift variant.
Genome position (GRCh38, 1-based): chr11:17,609,807, G deleted. VCF-style (leftmost placement, unchanged base first): chr11-17609806-TG-T. GRCh37 (hg19) VCF-style: chr11-17631353-TG-T.
Other names: c.4543del, p.Ala1515fs (NM_001277269.2); short protein forms A1503fs, A1515fs.
Identifiers: ClinVar variation 2083432 (VCV002083432.4), dbSNP rs1590039859, ClinGen allele CA918828333.
Genomic context (GRCh38, chr11:17,609,806, plus strand): 5'-GCCACAGCTGTCACAGGAAAGCCCCAGGACCCCCACCCACAGGCCAGCCCTCACCCCAGC[TG>T]CCCCACTCACCACAGCCCTGAACCCACCAGTGACAGCCACTGAGGAGCCAGTGGTGTCTC-3'